The following is an entry in ClinVar:

ClinVar aggregate classification (germline): Uncertain significance (1 of 4 stars; one submission).

Conditions:
Multiple endocrine neoplasia, type 2 (MEN2). Identifiers: Orphanet 653, MedGen C4048306, MONDO:0019003. Disease mechanism: gain of function.

gnomAD v4.1: 1 of 1,614,198 alleles (0.000062%); no homozygotes.

Submission:

All of Us Research Program, National Institutes of Health
Classification: Uncertain significance for Multiple endocrine neoplasia, type 2. Last evaluated: 2023-11-20. Review status: criteria provided, single submitter. Criteria: ACMG Guidelines, 2015. Collection method: clinical testing. Allele origin: germline. Inheritance: Autosomal dominant inheritance. Observed: 1 variant allele, 1 heterozygote.
Comment: This missense variant replaces leucine with proline at codon 1077 of the RET protein. Computational prediction is inconclusive regarding the impact of this variant on protein structure and function (internally defined REVEL score threshold 0.5 < inconclusive < 0.7, PMID: 27666373). To our knowledge, functional studies have not been reported for this variant. This variant has been reported in an individual affected with a rare tumor (PMID: 32373528). This variant has not been identified in the general population by the Genome Aggregation Database (gnomAD). The available evidence is insufficient to determine the role of this variant in disease conclusively. Therefore, this variant is classified as a Variant of Uncertain Significance.

This study involves interpretation of variants in research participants for the purpose of population health screening. Participant phenotype was not available at the time of variant classification. Additional details can be found in publication PMID: 35346344, PMCID: PMC8962531

Literature cited by the submitters: PubMed 32373528.

NM_020975.6(RET):c.3230T>C (p.Leu1077Pro)

Gene: RET (ret proto-oncogene; plus strand). Cytogenetic location: 10q11.21.
Variant type: single nucleotide variant.
Coding change: c.3230T>C on transcript NM_020975.6 (MANE Select); coding-DNA position 3230, T replaced by C.
Protein change: p.Leu1077Pro; replaces leucine 1077 with proline.
Molecular consequence: missense variant. On other transcripts: 3 prime UTR variant (18), intron variant (3).
Genome position (GRCh38, 1-based): chr10:43,128,154, T>C. VCF-style: chr10-43128154-T-C. GRCh37 (hg19) VCF-style: chr10-43623602-T-C.
Other names: c.3230T>C, p.Leu1077Pro (NM_000323.2, NM_001406743.1); c.*1400T>C (NM_001355216.2, NM_001406764.1, NM_001406765.1 and 15 more transcripts); c.3170T>C, p.Leu1057Pro (NM_001406759.1, NM_001406760.1); c.3101T>C, p.Leu1034Pro (NM_001406761.1, NM_001406762.1); c.3095T>C, p.Leu1032Pro (NM_001406763.1); c.2942T>C, p.Leu981Pro (NM_001406766.1, NM_001406767.1); c.2834T>C, p.Leu945Pro (NM_001406769.1); c.2792T>C, p.Leu931Pro (NM_001406771.1); and 10 more; short protein forms L1032P, L1034P, L1057P, L1077P, L574P, L594P, L682P, L735P.
Identifiers: ClinVar variation 3074602 (VCV003074602.1), dbSNP rs2538661225, ClinGen allele CA376558911.